The following is an entry in ClinVar:

NM_001364171.2(ODAD1):c.299G>A (p.Arg100Gln)

Gene: ODAD1 (outer dynein arm docking complex subunit 1; minus strand). Cytogenetic location: 19q13.33.
Variant type: single nucleotide variant.
Coding change: c.299G>A on transcript NM_001364171.2 (MANE Select); coding-DNA position 299, G replaced by A.
Protein change: p.Arg100Gln; replaces arginine 100 with glutamine.
Molecular consequence: missense variant.
Genome position (GRCh38, 1-based): chr19:48,318,448, C>T on the plus strand (G>A on the coding strand, the complement: ODAD1 is on the minus strand). VCF-style: chr19-48318448-C-T. GRCh37 (hg19) VCF-style: chr19-48821705-C-T.
Other names: c.188G>A, p.Arg63Gln (NM_144577.4); short protein forms R63Q, R100Q.
Identifiers: ClinVar variation 2156397 (VCV002156397.4), dbSNP rs1334678379, ClinGen allele CA406666136.

ClinVar aggregate classification (germline): Uncertain significance (1 of 4 stars; one submission).

Conditions:
Primary ciliary dyskinesia. Also called: Ciliary dyskinesia. Identifiers: Orphanet 244, MedGen C0008780, MONDO:0016575, HP:0012265.

Allele frequency attached by ClinVar (database versions not stated): gnomAD 0.00001; gnomAD exomes 0.00001; TOPMed 0.00001.
gnomAD v4.1: 13 of 1,551,540 alleles (0.00084%); highest among the groups gnomAD compares: South Asian, 0.0024%; no homozygotes.

Submission:

Labcorp Genetics (formerly Invitae), Labcorp
Classification: Uncertain significance for Primary ciliary dyskinesia. Last evaluated: 2024-05-08. Review status: criteria provided, single submitter. Criteria: Invitae Variant Classification Sherloc (09022015). Collection method: clinical testing. Allele origin: germline.
Comment: This sequence change replaces arginine, which is basic and polar, with glutamine, which is neutral and polar, at codon 63 of the CCDC114 protein (p.Arg63Gln). This variant is present in population databases (no rsID available, gnomAD 0.009%). This variant has not been reported in the literature in individuals affected with CCDC114-related conditions. ClinVar contains an entry for this variant (Variation ID: 2156397). Algorithms developed to predict the effect of missense changes on protein structure and function output the following: SIFT: "Not Available"; PolyPhen-2: "Benign"; Align-GVGD: "Not Available". The glutamine amino acid residue is found in multiple mammalian species, which suggests that this missense change does not adversely affect protein function. In summary, the available evidence is currently insufficient to determine the role of this variant in disease. Therefore, it has been classified as a Variant of Uncertain Significance.